The following is an entry in ClinVar:

NM_020937.4(FANCM):c.3437A>G (p.Asp1146Gly)

Gene: FANCM (FA complementation group M; plus strand). Cytogenetic location: 14q21.2.
Variant type: single nucleotide variant.
Coding change: c.3437A>G on transcript NM_020937.4 (MANE Select); coding-DNA position 3437, A replaced by G.
Protein change: p.Asp1146Gly; replaces aspartic acid 1146 with glycine.
Molecular consequence: missense variant.
Genome position (GRCh38, 1-based): chr14:45,176,191, A>G. VCF-style: chr14-45176191-A-G. GRCh37 (hg19) VCF-style: chr14-45645394-A-G.
Other names: c.3359A>G, p.Asp1120Gly (NM_001308133.2); short protein forms D1146G, D1120G.
Identifiers: ClinVar variation 4619487 (VCV004619487.1).

ClinVar aggregate classification (germline): Uncertain significance (1 of 4 stars; one submission).

Conditions:
Inborn genetic diseases. Identifiers: MedGen C0950123, MeSH D030342.

gnomAD v4.1: 3 of 1,613,984 alleles (0.00019%); highest among the groups gnomAD compares: South Asian, 0.0011%; no homozygotes.

Submission:

Ambry Genetics
Classification: Uncertain significance for Inborn genetic diseases. Last evaluated: 2025-10-14. Review status: criteria provided, single submitter. Criteria: Ambry Variant Classification Scheme 2023. Collection method: clinical testing. Allele origin: germline.
Comment: The p.D1146G variant (also known as c.3437A>G), located in coding exon 14 of the FANCM gene, results from an A to G substitution at nucleotide position 3437. The aspartic acid at codon 1146 is replaced by glycine, an amino acid with similar properties. This amino acid position is conserved. In addition, this alteration is predicted to be tolerated by in silico analysis. Based on the available evidence, the clinical significance of this variant remains unclear.